The following is an entry in ClinVar:

ClinVar aggregate classification (germline): Uncertain significance (1 of 4 stars; one submission).

gnomAD v4.1: 5 of 1,612,456 alleles (0.00031%); highest among the groups gnomAD compares: Non-Finnish European, 0.00042%; no homozygotes.

Submission:

Laboratory for Molecular Medicine, Mass General Brigham Personalized Medicine
Classification: Uncertain significance. Last evaluated: 2012-04-19. Review status: criteria provided, single submitter. Criteria: LMM Criteria. Collection method: clinical testing. Allele origin: germline. Observed: 1 variant allele.
Comment: The Lys27354Asn variant (TTN) has not been reported in the literature nor previo usly identified by our laboratory. Computational analyses (biochemical amino aci d properties, conservation, AlignGVGD, PolyPhen2, and SIFT) do not provide stron g support for or against an impact to the protein. In summary, additional inform ation is needed to fully assess the clinical significance of the Lys27354Asn var iant.

NM_001267550.2(TTN):c.89766G>C (p.Lys29922Asn)

Genes: TTN (titin; minus strand), TTN-AS1 (TTN antisense RNA 1; plus strand). Cytogenetic location: 2q31.2.
Variant type: single nucleotide variant.
Coding change: c.89766G>C on transcript NM_001267550.2 (MANE Select); coding-DNA position 89766, G replaced by C.
Protein change: p.Lys29922Asn; replaces lysine 29922 with asparagine.
Molecular consequence: missense variant.
Genome position (GRCh38, 1-based): chr2:178,553,134, C>G on the plus strand (G>C on the coding strand, the complement: TTN is on the minus strand). VCF-style: chr2-178553134-C-G. GRCh37 (hg19) VCF-style: chr2-179417861-C-G.
Other names: c.82062G>C, p.Lys27354Asn (NM_133378.4); c.84843G>C, p.Lys28281Asn (NM_001256850.1); c.62571G>C, p.Lys20857Asn (NM_003319.4); c.62946G>C, p.Lys20982Asn (NM_133432.3); c.63147G>C, p.Lys21049Asn (NM_133437.4); short protein forms K29922N, K27354N, K21049N, K20982N, K28281N, K20857N.
Identifiers: ClinVar variation 47492 (VCV000047492.5), dbSNP rs397517745, ClinGen allele CA141172.
Genomic context (GRCh38, chr2:178,553,134, plus strand): 5'-AACCTGTAGTTTCTGGCAGGCAGCTGGTGTGTCAAGCACTTTAACACTCACAGTTGAAGA[C>G]TTAGGTTCACCAACTCCATTTTCTATTGTGAGAATATATTTTCCTGTATCATTGCGAGTA-3'
Protein context (NP_001254479.2, residues 29912-29932): LTIENGVGEP[Lys29922Asn]SSTVSVKVLD